The following is an entry in ClinVar:

NM_001754.5(RUNX1):c.*1360C>T

Gene: RUNX1 (RUNX family transcription factor 1; minus strand). Cytogenetic location: 21q22.12.
Variant type: single nucleotide variant.
Coding change: c.*1360C>T on transcript NM_001754.5 (MANE Select); 1360 bases downstream of the stop codon, C replaced by T.
Molecular consequence: 3 prime UTR variant.
Genome position (GRCh38, 1-based): chr21:34,790,775, G>A on the plus strand (C>T on the coding strand, the complement: RUNX1 is on the minus strand). VCF-style: chr21-34790775-G-A. GRCh37 (hg19) VCF-style: chr21-36163072-G-A.
Other names: c.*1360C>T (NM_001001890.3).
Identifiers: ClinVar variation 898792 (VCV000898792.5), dbSNP rs190173314, ClinGen allele CA320250290.
Genomic context (GRCh38, chr21:34,790,775, plus strand): 5'-GGTGGGACCATGTTTTCCCACTTGTCTCCACTGAGGCACACAGAGGCAAATTGACTCCTC[G>A]AGGCCTGCTTCTGGTGGGCCCTTAAATTGCTATAATCGTAACCCCTAAATTCATTGATTT-3'

ClinVar aggregate classification (germline): Likely benign. Review status: reviewed by expert panel (3 of 4 stars). 2 submissions from 2 submitters: Likely benign (1). 1 of the submissions does not count toward it. Last evaluated 2022-06-23.

Conditions:
Hereditary thrombocytopenia and hematologic cancer predisposition syndrome. Identifiers: Orphanet 71290, MedGen CN281654, MONDO:0011071.
Hereditary thrombocytopenia and hematological cancer predisposition syndrome associated with RUNX1. Also called: PLATELET DISORDER, ASPIRIN-LIKE; RUNX1 Familial Platelet Disorder with Associated Myeloid Malignancies; Familial Platelet Disorder with Propensity to Acute Myelogenous Leukemia; Familial thrombocytopenia with propensity to acute myelogenous leukemia. Identifiers: Orphanet 71290, MedGen C1832388, MeSH C563324, MONDO:0100083, OMIM 601399.

Allele frequency attached by ClinVar (database versions not stated): TOPMed 0.00040; 1000 Genomes Project 30x 0.00125; 1000 Genomes Project 0.00140.
gnomAD v4.1: 87 of 233,278 alleles (0.037%); highest among the groups gnomAD compares: Middle Eastern, 0.51%; no homozygotes.

Submissions (2):

ClinGen Myeloid Malignancy Variant Curation Expert Panel
Classification: Likely benign for Hereditary thrombocytopenia and hematologic cancer predisposition syndrome. Last evaluated: 2022-06-23. Review status: reviewed by expert panel. Criteria: ClinGen MyeloMalig ACMG Specifications v2. Collection method: curation. Allele origin: germline. Inheritance: Autosomal dominant inheritance.
Comment: NM_001754.5(RUNX1):c.*1360C>T is an intronic variant. MAF of 0.001034 (0.10%, 9/8708 alleles) in the African/African-American subpopulation of the gnomAD v2.1.1 cohort is between 0.00015 (0.015%) and 0.0015 (0.15%) (BS1). In summary, this variant meets criteria to be classified as likely benign. ACMG/AMP criteria applied, as specified by the Myeloid Malignancy Variant Curation Expert Panel for RUNX1: BS1.

Illumina Laboratory Services, Illumina
Classification: Benign for Hereditary thrombocytopenia and hematological cancer predisposition syndrome associated with RUNX1. Last evaluated: 2018-01-13. Review status: criteria provided, single submitter. Criteria: ICSL Variant Classification Criteria 13 December 2019. Collection method: clinical testing. Allele origin: germline. Not counted in ClinVar's aggregate classification.
Comment: This variant was observed in the ICSL laboratory as part of a predisposition screen in an ostensibly healthy population. It had not been previously curated by ICSL or reported in the Human Gene Mutation Database (HGMD: prior to June 1st, 2018), and was therefore a candidate for classification through an automated scoring system. Utilizing variant allele frequency, disease prevalence and penetrance estimates, and inheritance mode, an automated score was calculated to assess if this variant is too frequent to cause the disease. Based on the score and internal cut-off values, a variant classified as benign is not then subjected to further curation. The score for this variant resulted in a classification of benign for this disease.